The following is an entry in ClinVar:

NM_206933.4(USH2A):c.12580T>C (p.Cys4194Arg)

Gene: USH2A (usherin; minus strand). Cytogenetic location: 1q41.
Variant type: single nucleotide variant.
Coding change: c.12580T>C on transcript NM_206933.4 (MANE Select); coding-DNA position 12580, T replaced by C.
Protein change: p.Cys4194Arg; replaces cysteine 4194 with arginine.
Molecular consequence: missense variant.
Genome position (GRCh38, 1-based): chr1:215,675,331, A>G on the plus strand (T>C on the coding strand, the complement: USH2A is on the minus strand). VCF-style: chr1-215675331-A-G. GRCh37 (hg19) VCF-style: chr1-215848673-A-G.
Other names: short protein forms C4194R.
Identifiers: ClinVar variation 557093 (VCV000557093.14), dbSNP rs769001387, ClinGen allele CA344850567.

ClinVar aggregate classification (germline): Pathogenic/Likely pathogenic. Review status: criteria provided, multiple submitters, no conflicts (2 of 4 stars). 7 submissions from 7 submitters: Pathogenic (3); Likely pathogenic (3). 1 of the submissions does not count toward it. Last evaluated 2025-11-05.

Conditions:
Retinitis pigmentosa 39 (RP39). Identifiers: Orphanet 791, MedGen C3151138, MONDO:0013436, OMIM 613809.
Usher syndrome type 2A. Also called: USHER SYNDROME, TYPE IIA; RETINAL DISEASE IN USHER SYNDROME TYPE IIA, MODIFIER OF. Identifiers: Orphanet 231178, Orphanet 886, MedGen C1848634, MONDO:0010169, OMIM 276901.
USH2A-related disorder. Also called: USH2A-related disorders; USH2A-related condition. Identifiers: MedGen CN239332.

Allele frequency attached by ClinVar (database versions not stated): gnomAD 0.00001.
gnomAD v4.1: 8 of 1,614,028 alleles (0.0005%); highest among the groups gnomAD compares: African/African-American, 0.0027%; no homozygotes.

Submissions (7):

Natera, Inc.
Classification: Likely pathogenic for Usher syndrome type 2A. Last evaluated: 2025-11-05. Review status: criteria provided, single submitter. Criteria: Natera Variant Classification Schema (03/2026). Collection method: clinical testing. Allele origin: germline.
Comment: The c.12580T>C variant in USH2A is a missense variant predicted to cause substitution of cysteine to arginine at amino acid 4194. This variant is rare in the general population with a frequency below the threshold expected for the associated phenotype(s). This variant has been observed in one or more individuals affected with the associated recessive disease, as either homozygous or compound heterozygous with a second variant (PMID: 39596236, 33124170, 25649381, 34315337, 30029497). Given the available evidence, this variant is classified as Likely Pathogenic.

PreventionGenetics, part of Exact Sciences
Classification: Likely pathogenic for USH2A-related condition. Last evaluated: 2025-03-18. Review status: criteria provided, single submitter. Criteria: ACMG Guidelines, 2015. Collection method: clinical testing. Allele origin: germline.
Comment: The USH2A c.12580T>C variant is predicted to result in the amino acid substitution p.Cys4194Arg. This variant has been reported in individuals with inherited retinal disease or Usher syndrome (see for example: Lenassi et al. 2015. PubMed ID: 25649381; Table S1, Wang et al. 2018. PubMed ID: 30029497; Meng et al. 2020. PubMed ID: 33124170). An alternate nucleotide change impacting this amino acid position (p.Cys4194Ser) has been reported in an individual with inherited retinal disease (Supplementary Table S1; Karali et al. 2022. PubMed ID: 36460718). This variant is reported in 0.0040% of alleles in individuals of African descent in gnomAD. This variant is interpreted as likely pathogenic.

Labcorp Genetics (formerly Invitae), Labcorp
Classification: Pathogenic. Last evaluated: 2025-01-27. Review status: criteria provided, single submitter. Criteria: Invitae Variant Classification Sherloc (09022015). Collection method: clinical testing. Allele origin: germline.
Comment: This sequence change replaces cysteine, which is neutral and slightly polar, with arginine, which is basic and polar, at codon 4194 of the USH2A protein (p.Cys4194Arg). This variant is present in population databases (no rsID available, gnomAD 0.004%). This missense change has been observed in individual(s) with USH2A-related conditions (PMID: 25649381, 30029497, 33090715, 33124170; internal data). ClinVar contains an entry for this variant (Variation ID: 557093). Invitae Evidence Modeling of protein sequence and biophysical properties (such as structural, functional, and spatial information, amino acid conservation, physicochemical variation, residue mobility, and thermodynamic stability) indicates that this missense variant is not expected to disrupt USH2A protein function with a negative predictive value of 95%. For these reasons, this variant has been classified as Pathogenic.

Blueprint Genetics
Classification: Pathogenic for USH2A-related disorders. Last evaluated: 2024-11-21. Review status: criteria provided, single submitter. Criteria: ACMG Guidelines, 2015. Collection method: clinical testing. Allele origin: germline. Affected: yes. Observed: 5 variant alleles.

Baylor Genetics
Classification: Pathogenic for Retinitis pigmentosa 39. Last evaluated: 2024-01-16. Review status: criteria provided, single submitter. Criteria: ACMG Guidelines, 2015. Collection method: clinical testing. Allele origin: unknown.

Victorian Clinical Genetics Services, Murdoch Childrens Research Institute
Classification: Likely pathogenic for Retinitis pigmentosa 39. Last evaluated: 2023-07-16. Review status: criteria provided, single submitter. Criteria: ACMG Guidelines, 2015. Collection method: clinical testing. Allele origin: germline. Inheritance: Autosomal recessive inheritance. Affected: no.
Comment: Based on the classification scheme VCGS_Germline_v1.3.4, this variant is classified as Likely pathogenic. Following criteria are met: 0102 - Loss of function is a known mechanism of disease in this gene and is associated with retinitis pigmentosa 39 (MIM#613809) and Usher syndrome, type 2A (MIM#276901). (I) 0106 - This gene is associated with autosomal recessive disease. (I) 0200 - Variant is predicted to result in a missense amino acid change from cysteine to arginine. (I) 0251 - This variant is heterozygous. (I) 0304 - Variant is present in gnomAD <0.01 for a recessive condition (v2 & v3: 3 heterozygotes, 0 homozygotes). (SP) 0309 - Multiple alternative amino acid changes at the same position have been observed in gnomAD (v2 & v3) (highest allele count: 2 heterozygotes, 0 homozygotes). (I) 0503 - Missense variant consistently predicted to be tolerated by multiple in silico tools or not conserved in placental mammals with a minor amino acid change. (SB) 0600 - Variant is located in the annotated Fibronectin type III domain (DECIPHER). (I) 0710 - Another missense variant comparable to the one identified in this case has inconclusive previous evidence for pathogenicity. p.(Cys4194Tyr) has been regarded as a VUS by multiple clinical laboratories in ClinVar. (I) 0801 - This variant has strong previous evidence of pathogenicity in unrelated individuals. Even though it has been reported as a VUS (ClinVar, PMID: 33124170), this variant has been reported as likely pathogenic (ClinVar) and detected in multiple individuals with retinitis pigmentosa (PMIDs: 25649381, 30029497, 34315337, 33124170). (SP) 0905 - No published segregation evidence has been identified for this variant. (I) 1007 - No published functional evidence has been identified for this variant. (I) 1208 - Inheritance information for this variant is not currently available in this individual. (I) Legend: (SP) - Supporting pathogenic, (I) - Information, (SB) - Supporting benign

Counsyl
Classification: Uncertain significance for Usher syndrome type 2A; Retinitis pigmentosa 39. Last evaluated: 2018-03-07. Review status: flagged submission. Collection method: clinical testing. Allele origin: unknown. Not counted in ClinVar's aggregate classification.
ClinVar note: Reason: Older and outlier claim with insufficient supporting evidence

Literature cited by the submitters: PubMed 39596236 (cited by Natera, Inc.); PubMed 33124170 (cited by 3 submitters); PubMed 25649381 (cited by 4 submitters); PubMed 34315337 (cited by Natera, Inc. and Victorian Clinical Genetics Services, Murdoch Childrens Research Institute); PubMed 30029497 (cited by 3 submitters); PubMed 33090715 (cited by Labcorp Genetics (formerly Invitae), Labcorp).